The following is an entry in ClinVar:

ClinVar aggregate classification (germline): Uncertain significance (1 of 4 stars; one submission).

Conditions:
Hypertrophic cardiomyopathy 26. Also called: Cardiomyopathy, familial hypertrophic, 26. Identifiers: Orphanet 75249, MedGen C4310749, MONDO:0014883, OMIM 617047.
Distal myopathy with posterior leg and anterior hand involvement. Also called: WILLIAMS DISTAL MYOPATHY. Identifiers: Orphanet 63273, MedGen C3279722, MONDO:0013550, OMIM 614065.
Myofibrillar myopathy 5. Also called: FILAMINOPATHY, AUTOSOMAL DOMINANT; Filaminopathy (type). Identifiers: Orphanet 171445, MedGen C1836050, MONDO:0012289, OMIM 609524.

Allele frequency attached by ClinVar (database versions not stated): gnomAD exomes below 0.00001; TOPMed below 0.00001; gnomAD 0.00001; ExAC 0.00003; 1000 Genomes Project 30x 0.00016; 1000 Genomes Project 0.00020.
gnomAD v4.1: 9 of 1,614,098 alleles (0.00056%); highest among the groups gnomAD compares: African/African-American, 0.004%; no homozygotes.

Submission:

Labcorp Genetics (formerly Invitae), Labcorp
Classification: Uncertain significance for Distal myopathy with posterior leg and anterior hand involvement; Myofibrillar myopathy 5; Hypertrophic cardiomyopathy 26. Last evaluated: 2024-10-07. Review status: criteria provided, single submitter. Criteria: Invitae Variant Classification Sherloc (09022015). Collection method: clinical testing. Allele origin: germline.
Comment: This sequence change replaces valine, which is neutral and non-polar, with methionine, which is neutral and non-polar, at codon 892 of the FLNC protein (p.Val892Met). This variant is present in population databases (rs200986712, gnomAD 0.007%). This variant has not been reported in the literature in individuals affected with FLNC-related conditions. ClinVar contains an entry for this variant (Variation ID: 1013990). Invitae Evidence Modeling of protein sequence and biophysical properties (such as structural, functional, and spatial information, amino acid conservation, physicochemical variation, residue mobility, and thermodynamic stability) has been performed for this missense variant. However, the output from this modeling did not meet the statistical confidence thresholds required to predict the impact of this variant on FLNC protein function. In summary, the available evidence is currently insufficient to determine the role of this variant in disease. Therefore, it has been classified as a Variant of Uncertain Significance.

NM_001458.5(FLNC):c.2674G>A (p.Val892Met)

Gene: FLNC (filamin C; plus strand). Cytogenetic location: 7q32.1.
Variant type: single nucleotide variant.
Coding change: c.2674G>A on transcript NM_001458.5 (MANE Select); coding-DNA position 2674, G replaced by A.
Protein change: p.Val892Met; replaces valine 892 with methionine.
Molecular consequence: missense variant.
Genome position (GRCh38, 1-based): chr7:128,843,440, G>A. VCF-style: chr7-128843440-G-A. GRCh37 (hg19) VCF-style: chr7-128483494-G-A.
Other names: c.2674G>A, p.Val892Met (NM_001127487.2); short protein forms V892M.
Identifiers: ClinVar variation 1013990 (VCV001013990.9), dbSNP rs200986712, ClinGen allele CA4474820.